The following is an entry in ClinVar:

ClinVar aggregate classification (germline): Uncertain significance (1 of 4 stars; one submission).

Conditions:
Cardiovascular phenotype. Identifiers: MedGen CN230736.

Allele frequency attached by ClinVar (database versions not stated): ExAC 0.00002; gnomAD 0.00003; TOPMed 0.00003.
gnomAD v4.1: 4 of 1,614,076 alleles (0.00025%); highest among the groups gnomAD compares: African/African-American, 0.0053%; no homozygotes.

Submission:

Ambry Genetics
Classification: Uncertain significance for Cardiovascular phenotype. Last evaluated: 2023-11-27. Review status: criteria provided, single submitter. Criteria: Ambry Variant Classification Scheme 2023. Collection method: clinical testing. Allele origin: germline.
Comment: The p.E69D variant (also known as c.207A>C), located in coding exon 2 of the TBX5 gene, results from an A to C substitution at nucleotide position 207. The glutamic acid at codon 69 is replaced by aspartic acid, an amino acid with highly similar properties. This amino acid position is well conserved in available vertebrate species. In addition, the in silico prediction for this alteration is inconclusive. Since supporting evidence is limited at this time, the clinical significance of this alteration remains unclear.

NM_181486.4(TBX5):c.207A>C (p.Glu69Asp)

Gene: TBX5 (T-box transcription factor 5; minus strand). Cytogenetic location: 12q24.21.
Variant type: single nucleotide variant.
Coding change: c.207A>C on transcript NM_181486.4 (MANE Select); coding-DNA position 207, A replaced by C.
Protein change: p.Glu69Asp; replaces glutamic acid 69 with aspartic acid.
Molecular consequence: missense variant.
Genome position (GRCh38, 1-based): chr12:114,401,861, T>G on the plus strand (A>C on the coding strand, the complement: TBX5 is on the minus strand). VCF-style: chr12-114401861-T-G. GRCh37 (hg19) VCF-style: chr12-114839666-T-G.
Other names: c.207A>C, p.Glu69Asp (NM_000192.3); c.57A>C, p.Glu19Asp (NM_080717.4); short protein forms E19D, E69D.
Identifiers: ClinVar variation 1785516 (VCV001785516.2), dbSNP rs760082444, ClinGen allele CA6809680.